The following is an entry in ClinVar:

NM_000501.4(ELN):c.643+1_643+2delinsAG

Gene: ELN (elastin; plus strand). Cytogenetic location: 7q11.23.
Variant type: Indel.
Coding change: c.643+1_643+2delinsAG on transcript NM_000501.4 (MANE Select); the canonical splice donor site of the intron after coding-DNA position 643, GT replaced by AG.
Molecular consequence: splice donor variant.
Genome position (GRCh38, 1-based): chr7:74,046,768-74,046,769, GT replaced by AG. VCF-style: chr7-74046768-GT-AG. GRCh37 (hg19) VCF-style: chr7-73461098-GT-AG.
Other names: c.658+1_658+2delinsAG (NM_001081754.3, NM_001081753.3); c.643+1_643+2delinsAG (NM_001278939.2, NM_001278915.2, NM_001278912.2 and 2 more transcripts); c.577+1_577+2delinsAG (NM_001278913.2); c.628+1_628+2delinsAG (NM_001278914.2); c.613+1_613+2delinsAG (NM_001278917.2, NM_001081752.3); c.511+1_511+2delinsAG (NM_001278918.2).
Identifiers: ClinVar variation 453331 (VCV000453331.8), dbSNP rs1554672602, ClinGen allele CA658657676.

ClinVar aggregate classification (germline): Pathogenic (1 of 4 stars; one submission).

Conditions:
Supravalvar aortic stenosis (SVAS). Also called: Supravalvar aortic stenosis, Eisenberg type. Identifiers: Orphanet 3193, MedGen C0003499, MONDO:0008504, OMIM 185500, HP:0004381.

Submission:

Labcorp Genetics (formerly Invitae), Labcorp
Classification: Pathogenic for Supravalvar aortic stenosis. Last evaluated: 2017-08-07. Review status: criteria provided, single submitter. Criteria: Invitae Variant Classification Sherloc (09022015). Collection method: clinical testing. Allele origin: germline.
Comment: This sequence change affects a donor splice site in intron 12 of the ELN gene. It is expected to disrupt RNA splicing and likely results in an absent or disrupted protein product. For these reasons, this variant has been classified as Pathogenic. Donor and acceptor splice site variants typically lead to a loss of protein function (PMID: 16199547), and loss-of-function variants in ELN are known to be pathogenic (PMID: 11175284). This variant has not been reported in the literature in individuals with ELN-related disease. This variant is not present in population databases (ExAC no frequency).

Literature cited by the submitters: PubMed 16199547; PubMed 11175284.